The following is an entry in ClinVar:

ClinVar aggregate classification (germline): Uncertain significance. Review status: criteria provided, multiple submitters, no conflicts (2 of 4 stars). 2 submissions from 2 submitters: Uncertain significance (2). Last evaluated 2022-08-21.

Conditions:
Combined immunodeficiency due to DOCK8 deficiency (HIES2). Also called: HIES autosomal recessive; Hyper-IgE recurrent infection syndrome, autosomal recessive; HYPER-IgE RECURRENT INFECTION SYNDROME 2, AUTOSOMAL RECESSIVE; HYPER-IgE SYNDROME 2, AUTOSOMAL RECESSIVE, WITH RECURRENT INFECTIONS; DOCK8 Deficiency. Identifiers: Orphanet 217390, MedGen C4722305, MONDO:0009478, OMIM 243700.

Allele frequency attached by ClinVar (database versions not stated): gnomAD exomes 0.00004 and 0.00005; ExAC 0.00007; TOPMed 0.00010; gnomAD 0.00012; ESP Exome Variant Server 0.00023.
gnomAD v4.1: 95 of 1,613,670 alleles (0.0059%); highest among the groups gnomAD compares: Non-Finnish European, 0.0079%; no homozygotes.

Submissions (2):

Labcorp Genetics (formerly Invitae), Labcorp
Classification: Uncertain significance for Combined immunodeficiency due to DOCK8 deficiency. Last evaluated: 2022-08-21. Review status: criteria provided, single submitter. Criteria: Invitae Variant Classification Sherloc (09022015). Collection method: clinical testing. Allele origin: germline.
Comment: This sequence change replaces proline, which is neutral and non-polar, with arginine, which is basic and polar, at codon 105 of the DOCK8 protein (p.Pro105Arg). This variant is present in population databases (rs201472678, gnomAD 0.02%). This variant has not been reported in the literature in individuals affected with DOCK8-related conditions. ClinVar contains an entry for this variant (Variation ID: 196605). Algorithms developed to predict the effect of missense changes on protein structure and function are either unavailable or do not agree on the potential impact of this missense change (SIFT: "Tolerated"; PolyPhen-2: "Possibly Damaging"; Align-GVGD: "Class C0"). In summary, the available evidence is currently insufficient to determine the role of this variant in disease. Therefore, it has been classified as a Variant of Uncertain Significance.

Eurofins Ntd Llc (ga)
Classification: Uncertain significance. Last evaluated: 2014-10-02. Review status: criteria provided, single submitter. Criteria: EGL Classification Definitions 2015. Collection method: clinical testing. Allele origin: germline. Observed: 1 variant allele, 1 heterozygote.

NM_203447.4(DOCK8):c.314C>G (p.Pro105Arg)

Genes: DOCK8 (dedicator of cytokinesis 8; plus strand), LOC126860552 (BRD4-independent group 4 enhancer GRCh37_chr9:285795-286994; plus strand). Cytogenetic location: 9p24.3.
Variant type: single nucleotide variant.
Coding change: c.314C>G on transcript NM_203447.4 (MANE Select); coding-DNA position 314, C replaced by G.
Protein change: p.Pro105Arg; replaces proline 105 with arginine.
Molecular consequence: missense variant.
Genome position (GRCh38, 1-based): chr9:286,618, C>G. VCF-style: chr9-286618-C-G. GRCh37 (hg19) VCF-style: chr9-286618-C-G.
Other names: c.110C>G, p.Pro37Arg (NM_001190458.2, NM_001193536.2); short protein forms P105R, P37R.
Identifiers: ClinVar variation 196605 (VCV000196605.12), dbSNP rs201472678, ClinGen allele CA243614.